The following is an entry in ClinVar:

NM_001805.4(CEBPE):c.733C>T (p.Arg245Cys)

Gene: CEBPE (CCAAT enhancer binding protein epsilon; minus strand). Cytogenetic location: 14q11.2.
Variant type: single nucleotide variant.
Coding change: c.733C>T on transcript NM_001805.4 (MANE Select); coding-DNA position 733, C replaced by T.
Protein change: p.Arg245Cys; replaces arginine 245 with cysteine.
Molecular consequence: missense variant.
Genome position (GRCh38, 1-based): chr14:23,117,600, G>A on the plus strand (C>T on the coding strand, the complement: CEBPE is on the minus strand). VCF-style: chr14-23117600-G-A. GRCh37 (hg19) VCF-style: chr14-23586809-G-A.
Other names: short protein forms R245C.
Identifiers: ClinVar variation 1956268 (VCV001956268.5), dbSNP rs761128015, ClinGen allele CA7111111.
Genomic context (GRCh38, chr14:23,117,600, plus strand): 5'-GGAAGAGGTTGCGGAGGGTGTCTAGCTCCTGGGTGAGCTGCTCCACGCGGCTGCGGAGGC[G>A]CTCGTTCTCTGCCATGTACTCCAGCACCTTCTGCTGCGTCTCCAGAATGCGCCTCTTGGC-3'
Protein context (NP_001796.2, residues 235-255): KVLEYMAENE[Arg245Cys]LRSRVEQLTQ

ClinVar aggregate classification (germline): Uncertain significance (1 of 4 stars; one submission).

Conditions:
Specific granule deficiency. Identifiers: Orphanet 169142, MedGen C0398593, MONDO:0009506.

Allele frequency attached by ClinVar (database versions not stated): ExAC 0.00001; gnomAD 0.00001.
gnomAD v4.1: 2 of 1,613,990 alleles (0.00012%); highest among the groups gnomAD compares: Non-Finnish European, 0.00017%; no homozygotes.

Submission:

Labcorp Genetics (formerly Invitae), Labcorp
Classification: Uncertain significance for Specific granule deficiency. Last evaluated: 2022-06-09. Review status: criteria provided, single submitter. Criteria: Invitae Variant Classification Sherloc (09022015). Collection method: clinical testing. Allele origin: germline.
Comment: In summary, the available evidence is currently insufficient to determine the role of this variant in disease. Therefore, it has been classified as a Variant of Uncertain Significance. Algorithms developed to predict the effect of missense changes on protein structure and function (SIFT, PolyPhen-2, Align-GVGD) all suggest that this variant is likely to be tolerated. This variant has not been reported in the literature in individuals affected with CEBPE-related conditions. This variant is present in population databases (rs761128015, gnomAD 0.002%). This sequence change replaces arginine, which is basic and polar, with cysteine, which is neutral and slightly polar, at codon 245 of the CEBPE protein (p.Arg245Cys).